The following is an entry in ClinVar:

NM_001478.5(B4GALNT1):c.712+23C>T

Gene: B4GALNT1 (beta-1,4-N-acetyl-galactosaminyltransferase 1; minus strand). Cytogenetic location: 12q13.3.
Variant type: single nucleotide variant.
Coding change: c.712+23C>T on transcript NM_001478.5 (MANE Select); 23 bases into the intron after coding-DNA position 712, C replaced by T.
Molecular consequence: intron variant. On other transcripts: synonymous variant (1).
Genome position (GRCh38, 1-based): chr12:57,630,129, G>A on the plus strand (C>T on the coding strand, the complement: B4GALNT1 is on the minus strand). VCF-style: chr12-57630129-G-A. GRCh37 (hg19) VCF-style: chr12-58023912-G-A.
Other names: c.735C>T, p.Asp245= (NM_001276469.2); c.547+23C>T (NM_001413978.1, NM_001276468.2); c.-276+23C>T (NM_001413984.1, NM_001413982.1, NM_001413981.1 and 1 more transcripts); c.712+23C>T (NM_001413977.1, NM_001413970.1, NM_001413968.1 and 8 more transcripts).
Identifiers: ClinVar variation 2643144 (VCV002643144.25), dbSNP rs769987083, ClinGen allele CA6655697.

ClinVar aggregate classification (germline): Likely benign. Review status: criteria provided, multiple submitters, no conflicts (2 of 4 stars). 2 submissions from 2 submitters: Likely benign (2). Last evaluated 2024-09-20.

Allele frequency attached by ClinVar (database versions not stated): gnomAD exomes 0.00002; ExAC 0.00005; TOPMed 0.00010; gnomAD 0.00013.
gnomAD v4.1: 62 of 1,614,206 alleles (0.0038%); highest among the groups gnomAD compares: Admixed American, 0.033%; no homozygotes.

Submissions (2):

Blueprint Genetics
Classification: Likely benign. Last evaluated: 2024-09-20. Review status: criteria provided, single submitter. Criteria: ACMG Guidelines, 2015. Collection method: clinical testing. Allele origin: germline.

CeGaT Center for Human Genetics Tuebingen
Classification: Likely benign. Last evaluated: 2023-08-01. Review status: criteria provided, single submitter. Criteria: CeGaT Center For Human Genetics Tuebingen Variant Classification Criteria Version 2. Collection method: clinical testing. Allele origin: germline. Affected: yes. Observed: 1 variant allele.
Comment: B4GALNT1: BP4, BP7